The following is an entry in ClinVar:

ClinVar aggregate classification (germline): Uncertain significance (1 of 4 stars; one submission).

Submission:

GeneDx
Classification: Uncertain significance. Last evaluated: 2025-07-22. Review status: criteria provided, single submitter. Criteria: GeneDx Variant Classification Process June 2021. Collection method: clinical testing. Allele origin: germline. Affected: yes.
Comment: Not observed at significant frequency in large population cohorts (gnomAD); In silico analysis supports that this missense variant has a deleterious effect on protein structure/function; Has not been previously published as pathogenic or benign to our knowledge

NM_000435.3(NOTCH3):c.2753G>C (p.Gly918Ala)

Gene: NOTCH3 (notch receptor 3; minus strand). Cytogenetic location: 19p13.12.
Variant type: single nucleotide variant.
Coding change: c.2753G>C on transcript NM_000435.3 (MANE Select); coding-DNA position 2753, G replaced by C.
Protein change: p.Gly918Ala; replaces glycine 918 with alanine.
Molecular consequence: missense variant.
Genome position (GRCh38, 1-based): chr19:15,181,615, C>G on the plus strand (G>C on the coding strand, the complement: NOTCH3 is on the minus strand). VCF-style: chr19-15181615-C-G. GRCh37 (hg19) VCF-style: chr19-15292426-C-G.
Other names: short protein forms G918A.
Identifiers: ClinVar variation 4686856 (VCV004686856.1).
Genomic context (GRCh38, chr19:15,181,615, plus strand): 5'-CCAAGCAGAGGCCCCGCCCACCTGGGGCTGCAGTCGGGCAGGTCCTGTTCGCAGTGGAAG[C>G]CTCCGTAGCCTGGCGGGCAGGTGCAGGTGAAGGAGGCCACGTGGTCGGTACAGGTGCCCG-3'
Protein context (NP_000426.2, residues 908-928): FTCTCPPGYG[Gly918Ala]FHCEQDLPDC